The following is an entry in ClinVar:

NM_002471.4(MYH6):c.950G>A (p.Gly317Glu)

Gene: MYH6 (myosin heavy chain 6; minus strand). Cytogenetic location: 14q11.2.
Variant type: single nucleotide variant.
Coding change: c.950G>A on transcript NM_002471.4 (MANE Select); coding-DNA position 950, G replaced by A.
Protein change: p.Gly317Glu; replaces glycine 317 with glutamic acid.
Molecular consequence: missense variant.
Genome position (GRCh38, 1-based): chr14:23,402,749, C>T on the plus strand (G>A on the coding strand, the complement: MYH6 is on the minus strand). VCF-style: chr14-23402749-C-T. GRCh37 (hg19) VCF-style: chr14-23871958-C-T.
Other names: short protein forms G317E.
Identifiers: ClinVar variation 4738210 (VCV004738210.1).

ClinVar aggregate classification (germline): Uncertain significance (1 of 4 stars; one submission).

Conditions:
Hypertrophic cardiomyopathy 14. Identifiers: MedGen C2750467, MONDO:0013197, OMIM 613251.

gnomAD v4.1: 3 of 1,613,636 alleles (0.00019%); highest among the groups gnomAD compares: Admixed American, 0.0017%; no homozygotes.

Submission:

Labcorp Genetics (formerly Invitae), Labcorp
Classification: Uncertain significance for Hypertrophic cardiomyopathy 14. Last evaluated: 2025-10-29. Review status: criteria provided, single submitter. Criteria: Invitae Variant Classification Sherloc (09022015). Collection method: clinical testing. Allele origin: germline.
Comment: This sequence change replaces glycine, which is neutral and non-polar, with glutamic acid, which is acidic and polar, at codon 317 of the MYH6 protein (p.Gly317Glu). This variant is present in population databases (no rsID available, gnomAD 0.003%). This variant has not been reported in the literature in individuals affected with MYH6-related conditions. Invitae Evidence Modeling of protein sequence and biophysical properties (such as structural, functional, and spatial information, amino acid conservation, physicochemical variation, residue mobility, and thermodynamic stability) indicates that this missense variant is expected to disrupt MYH6 protein function with a positive predictive value of 80%. In summary, the available evidence is currently insufficient to determine the role of this variant in disease. Therefore, it has been classified as a Variant of Uncertain Significance.